The following is an entry in ClinVar:

ClinVar aggregate classification (germline): Uncertain significance (1 of 4 stars; one submission).

Submission:

Labcorp Genetics (formerly Invitae), Labcorp
Classification: Uncertain significance. Last evaluated: 2024-05-08. Review status: criteria provided, single submitter. Criteria: Invitae Variant Classification Sherloc (09022015). Collection method: clinical testing. Allele origin: germline.
Comment: This sequence change replaces lysine, which is basic and polar, with asparagine, which is neutral and polar, at codon 1293 of the ANKRD26 protein (p.Lys1293Asn). This variant is not present in population databases (gnomAD no frequency). This variant has not been reported in the literature in individuals affected with ANKRD26-related conditions. An algorithm developed to predict the effect of missense changes on protein structure and function (PolyPhen-2) suggests that this variant is likely to be disruptive. Algorithms developed to predict the effect of sequence changes on RNA splicing suggest that this variant may disrupt the consensus splice site. In summary, the available evidence is currently insufficient to determine the role of this variant in disease. Therefore, it has been classified as a Variant of Uncertain Significance.

NM_014915.3(ANKRD26):c.3879G>T (p.Lys1293Asn)

Gene: ANKRD26 (ankyrin repeat domain 26; minus strand). Cytogenetic location: 10p12.1.
Variant type: single nucleotide variant.
Coding change: c.3879G>T on transcript NM_014915.3 (MANE Select); coding-DNA position 3879, G replaced by T.
Protein change: p.Lys1293Asn; replaces lysine 1293 with asparagine.
Molecular consequence: missense variant.
Genome position (GRCh38, 1-based): chr10:27,028,945, C>A on the plus strand (G>T on the coding strand, the complement: ANKRD26 is on the minus strand). VCF-style: chr10-27028945-C-A. GRCh37 (hg19) VCF-style: chr10-27317874-C-A.
Other names: c.3876G>T, p.Lys1292Asn (NM_001256053.2); short protein forms K1293N, K1292N.
Identifiers: ClinVar variation 2904273 (VCV002904273.3), dbSNP rs1180786289, ClinGen allele CA376360389.
Genomic context (GRCh38, chr10:27,028,945, plus strand): 5'-CTCAATTTTGTCCATTTGCTTTTTGACTGTAACTTTTAACTTGGCATTATCTTTTTCAAG[C>A]CTGAAATGTATATTTTAAAATAATTATTCTCACAGATAAATTTTTAAAATACTGTGTAAT-3'
Protein context (NP_055730.2, residues 1283-1303): CAEKMQDHKQ[Lys1293Asn]LEKDNAKLKV